The following is an entry in ClinVar:

ClinVar aggregate classification (germline): Uncertain significance. Review status: criteria provided, multiple submitters, no conflicts (2 of 4 stars). 2 submissions from 2 submitters: Uncertain significance (2). Last evaluated 2025-12-18.

Conditions:
Melnick-Needles syndrome (MNS). Also called: Melnick-Needles Syndrome (FLNA-MNS); MELNICK-NEEDLES OSTEODYSPLASTY; OSTEODYSPLASTY OF MELNICK AND NEEDLES. Identifiers: Orphanet 2484, MedGen C0025237, MONDO:0010650, OMIM 309350.
Oto-palato-digital syndrome, type II (OPD2). Also called: Otopalatodigital Syndrome Type 2 (FLNA-OPD2); FACIOPALATOOSSEOUS SYNDROME; OPD II SYNDROME; Otopalatodigital Syndrome, Type II. Identifiers: Orphanet 669, Orphanet 90652, MedGen C1844696, MONDO:0010571, OMIM 304120.
Heterotopia, periventricular, X-linked dominant (PVNH1). Also called: PERIVENTRICULAR NODULAR HETEROTOPIA 1; X-linked periventricular heterotopia; PERIVENTRICULAR NODULAR HETEROTOPIA 4; HETEROTOPIA, PERIVENTRICULAR, 1. Identifiers: Orphanet 2149, Orphanet 82004, MedGen C1848213, MONDO:0010233, OMIM 300049.
Frontometaphyseal dysplasia (FMD1). Identifiers: Orphanet 1826, MedGen C0265293, MONDO:0015942.

gnomAD v4.1: 1 of 1,209,651 alleles (0.000083%); highest among the groups gnomAD compares: Non-Finnish European, 0.00011%; no homozygotes.

Submissions (2):

Labcorp Genetics (formerly Invitae), Labcorp
Classification: Uncertain significance for Oto-palato-digital syndrome, type II; Heterotopia, periventricular, X-linked dominant; Frontometaphyseal dysplasia; Melnick-Needles syndrome. Last evaluated: 2025-12-18. Review status: criteria provided, single submitter. Criteria: Invitae Variant Classification Sherloc (09022015). Collection method: clinical testing. Allele origin: germline.
Comment: This sequence change replaces glutamic acid, which is acidic and polar, with aspartic acid, which is acidic and polar, at codon 2374 of the FLNA protein (p.Glu2374Asp). This variant is not present in population databases (gnomAD no frequency). This variant has not been reported in the literature in individuals affected with FLNA-related conditions. ClinVar contains an entry for this variant (Variation ID: 3343041). Invitae Evidence Modeling of protein sequence and biophysical properties (such as structural, functional, and spatial information, amino acid conservation, physicochemical variation, residue mobility, and thermodynamic stability) indicates that this missense variant is not expected to disrupt FLNA protein function with a negative predictive value of 95%. In summary, the available evidence is currently insufficient to determine the role of this variant in disease. Therefore, it has been classified as a Variant of Uncertain Significance.

GeneDx
Classification: Uncertain significance. Last evaluated: 2023-04-12. Review status: criteria provided, single submitter. Criteria: GeneDx Variant Classification Process June 2021. Collection method: clinical testing. Allele origin: germline. Affected: yes.
Comment: Not observed at significant frequency in large population cohorts (gnomAD); In silico analysis supports that this missense variant has a deleterious effect on protein structure/function; Has not been previously published as pathogenic or benign to our knowledge

NM_001110556.2(FLNA):c.7146A>T (p.Glu2382Asp)

Gene: FLNA (filamin A; minus strand). Cytogenetic location: Xq28.
Variant type: single nucleotide variant.
Coding change: c.7146A>T on transcript NM_001110556.2 (MANE Select); coding-DNA position 7146, A replaced by T.
Protein change: p.Glu2382Asp; replaces glutamic acid 2382 with aspartic acid.
Molecular consequence: missense variant.
Genome position (GRCh38, 1-based): chrX:154,350,919, T>A on the plus strand (A>T on the coding strand, the complement: FLNA is on the minus strand). VCF-style: chrX-154350919-T-A. GRCh37 (hg19) VCF-style: chrX-153579287-T-A.
Other names: c.7122A>T, p.Glu2374Asp (NM_001456.4); short protein forms E2374D, E2382D.
Identifiers: ClinVar variation 3343041 (VCV003343041.2).